The following is an entry in ClinVar:

ClinVar aggregate classification (germline): Uncertain significance (1 of 4 stars; one submission).

Submission:

Labcorp Genetics (formerly Invitae), Labcorp
Classification: Uncertain significance. Last evaluated: 2021-02-17. Review status: criteria provided, single submitter. Criteria: Invitae Variant Classification Sherloc (09022015). Collection method: clinical testing. Allele origin: germline.
Comment: This variant has not been reported in the literature in individuals with HPS5-related conditions. This variant is not present in population databases (ExAC no frequency). This sequence change replaces serine with arginine at codon 445 of the HPS5 protein (p.Ser445Arg). The serine residue is moderately conserved and there is a moderate physicochemical difference between serine and arginine. In summary, the available evidence is currently insufficient to determine the role of this variant in disease. Therefore, it has been classified as a Variant of Uncertain Significance. Algorithms developed to predict the effect of missense changes on protein structure and function are either unavailable or do not agree on the potential impact of this missense change (SIFT: "Deleterious"; PolyPhen-2: "Probably Damaging"; Align-GVGD: "Class C0").

NM_181507.2(HPS5):c.1333A>C (p.Ser445Arg)

Gene: HPS5 (HPS5 biogenesis of lysosomal organelles complex 2 subunit 2; minus strand). Cytogenetic location: 11p15.1.
Variant type: single nucleotide variant.
Coding change: c.1333A>C on transcript NM_181507.2 (MANE Select); coding-DNA position 1333, A replaced by C.
Protein change: p.Ser445Arg; replaces serine 445 with arginine.
Molecular consequence: missense variant.
Genome position (GRCh38, 1-based): chr11:18,296,975, T>G on the plus strand (A>C on the coding strand, the complement: HPS5 is on the minus strand). VCF-style: chr11-18296975-T-G. GRCh37 (hg19) VCF-style: chr11-18318522-T-G.
Other names: c.991A>C, p.Ser331Arg (NM_007216.4, NM_181508.2); short protein forms S445R, S331R.
Identifiers: ClinVar variation 1467410 (VCV001467410.8), dbSNP rs754988013, ClinGen allele CA379495877.